The following is an entry in ClinVar:

NM_003737.4(DCHS1):c.1757C>T (p.Ser586Leu)

Gene: DCHS1 (dachsous cadherin-related 1; minus strand). Cytogenetic location: 11p15.4.
Variant type: single nucleotide variant.
Coding change: c.1757C>T on transcript NM_003737.4 (MANE Select); coding-DNA position 1757, C replaced by T.
Protein change: p.Ser586Leu; replaces serine 586 with leucine.
Molecular consequence: missense variant.
Genome position (GRCh38, 1-based): chr11:6,639,857, G>A on the plus strand (C>T on the coding strand, the complement: DCHS1 is on the minus strand). VCF-style: chr11-6639857-G-A. GRCh37 (hg19) VCF-style: chr11-6661088-G-A.
Other names: short protein forms S586L.
Identifiers: ClinVar variation 3673522 (VCV003673522.2).

ClinVar aggregate classification (germline): Uncertain significance (1 of 4 stars; one submission).

gnomAD v4.1: 2 of 1,610,952 alleles (0.00012%); highest among the groups gnomAD compares: South Asian, 0.0011%; no homozygotes.

Submission:

Labcorp Genetics (formerly Invitae), Labcorp
Classification: Uncertain significance. Last evaluated: 2025-01-25. Review status: criteria provided, single submitter. Criteria: Invitae Variant Classification Sherloc (09022015). Collection method: clinical testing. Allele origin: germline.
Comment: This sequence change replaces serine, which is neutral and polar, with leucine, which is neutral and non-polar, at codon 586 of the DCHS1 protein (p.Ser586Leu). This variant is not present in population databases (gnomAD no frequency). This variant has not been reported in the literature in individuals affected with DCHS1-related conditions. Invitae Evidence Modeling of protein sequence and biophysical properties (such as structural, functional, and spatial information, amino acid conservation, physicochemical variation, residue mobility, and thermodynamic stability) indicates that this missense variant is not expected to disrupt DCHS1 protein function with a negative predictive value of 80%. In summary, the available evidence is currently insufficient to determine the role of this variant in disease. Therefore, it has been classified as a Variant of Uncertain Significance.